The following is an entry in ClinVar:

ClinVar aggregate classification (germline): Benign/Likely benign. Review status: criteria provided, multiple submitters, no conflicts (2 of 4 stars). 3 submissions from 3 submitters: Benign (1); Likely benign (2). Last evaluated 2025-04-24.

Conditions:
Hereditary cancer-predisposing syndrome. Also called: Tumor predisposition; Hereditary Cancer Syndrome; Hereditary neoplastic syndrome; Neoplastic Syndromes, Hereditary. Identifiers: Orphanet 140162, MedGen C0027672, MeSH D009386, MONDO:0015356.
Birt-Hogg-Dube syndrome 1 (BHD1). Also called: FIBROFOLLICULOMAS WITH TRICHODISCOMAS AND ACROCHORDONS. Identifiers: Orphanet 122, MedGen CN375946, MONDO:0800445, OMIM 135150.
Birt-Hogg-Dube syndrome. Also called: Birt Hogg Dubé syndrome. Identifiers: Orphanet 122, MedGen C0346010, MONDO:0800444.

Allele frequency attached by ClinVar (database versions not stated): TOPMed 0.00001.
gnomAD v4.1: 22 of 1,614,068 alleles (0.0014%); highest among the groups gnomAD compares: Non-Finnish European, 0.0018%; no homozygotes.

Submissions (3):

Labcorp Genetics (formerly Invitae), Labcorp
Classification: Likely benign for Birt-Hogg-Dube syndrome. Last evaluated: 2025-04-24. Review status: criteria provided, single submitter. Criteria: Invitae Variant Classification Sherloc (09022015). Collection method: clinical testing. Allele origin: germline.

Myriad Genetics, Inc.
Classification: Benign for Birt-Hogg-Dube syndrome 1. Last evaluated: 2024-10-23. Review status: criteria provided, single submitter. Criteria: Myriad Autosomal Dominant, Autosomal Recessive and X-Linked Classification Criteria (2023). Collection method: clinical testing. Allele origin: unknown.
Comment: This variant is considered benign. This variant is a silent/synonymous amino acid change and it is not expected to impact splicing.

Ambry Genetics
Classification: Likely benign for Hereditary cancer-predisposing syndrome. Last evaluated: 2022-03-17. Review status: criteria provided, single submitter. Criteria: Ambry Variant Classification Scheme 2023. Collection method: clinical testing. Allele origin: germline.

NM_144997.7(FLCN):c.756G>T (p.Ala252=)

Gene: FLCN (folliculin; minus strand). Cytogenetic location: 17p11.2.
Variant type: single nucleotide variant.
Coding change: c.756G>T on transcript NM_144997.7 (MANE Select); coding-DNA position 756, G replaced by T.
Protein change: p.Ala252=; no amino-acid change (alanine 252 retained).
Molecular consequence: synonymous variant.
Genome position (GRCh38, 1-based): chr17:17,222,524, C>A on the plus strand (G>T on the coding strand, the complement: FLCN is on the minus strand). VCF-style: chr17-17222524-C-A. GRCh37 (hg19) VCF-style: chr17-17125838-C-A.
Other names: c.810G>T, p.Ala270= (NM_001353229.2); c.756G>T, p.Ala252= (NM_001353230.2, NM_001353231.2, NM_144606.7).
Identifiers: ClinVar variation 1539679 (VCV001539679.11), dbSNP rs746664975, ClinGen allele CA498164218.